The following is an entry in ClinVar:

ClinVar aggregate classification (germline): Likely benign (0 of 4 stars; one submission).

Conditions:
SERPINB6-related disorder. Also called: SERPINB6-related condition.

Allele frequency attached by ClinVar (database versions not stated): gnomAD 0.00007; TOPMed 0.00008.
gnomAD v4.1: 185 of 1,025,106 alleles (0.018%); highest among the groups gnomAD compares: Non-Finnish European, 0.021%; no homozygotes.

Submission:

PreventionGenetics, part of Exact Sciences
Classification: Likely benign for SERPINB6-related condition. Last evaluated: 2022-06-29. Review status: no assertion criteria provided. Collection method: clinical testing. Allele origin: germline.
Comment: This variant is classified as likely benign based on ACMG/AMP sequence variant interpretation guidelines (Richards et al. 2015 PMID: 25741868, with internal and published modifications).

NM_004568.6(SERPINB6):c.-11+393G>T

Gene: SERPINB6 (serpin family B member 6; minus strand). Cytogenetic location: 6p25.2.
Variant type: single nucleotide variant.
Coding change: c.-11+393G>T on transcript NM_004568.6 (MANE Select); 393 bases into the intron after 11 bases upstream of the start codon, G replaced by T.
Molecular consequence: intron variant. On other transcripts: synonymous variant (1), 5 prime UTR variant (2).
Genome position (GRCh38, 1-based): chr6:2,971,140, C>A on the plus strand (G>T on the coding strand, the complement: SERPINB6 is on the minus strand). VCF-style: chr6-2971140-C-A. GRCh37 (hg19) VCF-style: chr6-2971374-C-A.
Other names: c.9G>T, p.Ala3= (NM_001271822.2); c.-336G>T (NM_001271823.2); c.-126G>T (NM_001374517.1); c.-11+452G>T (NM_001297700.2); c.-134+393G>T (NM_001195291.3); c.-11+351G>T (NM_001271824.2); c.-134+351G>T (NM_001374515.1); c.-11+108G>T (NM_001297699.2).
Identifiers: ClinVar variation 3054388 (VCV003054388.2), dbSNP rs1056472461, ClinGen allele CA133429703.